The following is an entry in ClinVar:

NM_001042492.3(NF1):c.1634C>T (p.Ala545Val)

Gene: NF1 (neurofibromin 1; plus strand). Cytogenetic location: 17q11.2.
Variant type: single nucleotide variant.
Coding change: c.1634C>T on transcript NM_001042492.3 (MANE Select); coding-DNA position 1634, C replaced by T.
Protein change: p.Ala545Val; replaces alanine 545 with valine.
Molecular consequence: missense variant.
Genome position (GRCh38, 1-based): chr17:31,219,111, C>T. VCF-style: chr17-31219111-C-T. GRCh37 (hg19) VCF-style: chr17-29546129-C-T.
Other names: c.1634C>T, p.Ala545Val (NM_000267.4, NM_001128147.3); short protein forms A545V.
Identifiers: ClinVar variation 2014427 (VCV002014427.4), dbSNP rs2143987317, ClinGen allele CA399002150.

ClinVar aggregate classification (germline): Uncertain significance (1 of 4 stars; one submission).

Conditions:
Neurofibromatosis, type 1 (NF1). Also called: Neurofibromatosis, type I; Peripheral type neurofibromatosis; VON RECKLINGHAUSEN DISEASE; NEUROFIBROMATOSIS, TYPE I, SOMATIC. Identifiers: Orphanet 636, MedGen C0027831, MONDO:0018975, OMIM 162200. Disease mechanism: loss of function.

Submission:

Labcorp Genetics (formerly Invitae), Labcorp
Classification: Uncertain significance for Neurofibromatosis, type 1. Last evaluated: 2022-07-06. Review status: criteria provided, single submitter. Criteria: Invitae Variant Classification Sherloc (09022015). Collection method: clinical testing. Allele origin: germline.
Comment: This sequence change replaces alanine, which is neutral and non-polar, with valine, which is neutral and non-polar, at codon 545 of the NF1 protein (p.Ala545Val). This variant is not present in population databases (gnomAD no frequency). This variant has not been reported in the literature in individuals affected with NF1-related conditions. Advanced modeling of protein sequence and biophysical properties (such as structural, functional, and spatial information, amino acid conservation, physicochemical variation, residue mobility, and thermodynamic stability) performed at Invitae indicates that this missense variant is expected to disrupt NF1 protein function. In summary, the available evidence is currently insufficient to determine the role of this variant in disease. Therefore, it has been classified as a Variant of Uncertain Significance.